The following is an entry in ClinVar:

ClinVar aggregate classification (germline): Uncertain significance (1 of 4 stars; one submission).

Conditions:
Imerslund-Grasbeck syndrome. Also called: Megaloblastic anemia due to inborn errors of metabolism; ENTEROCYTE COBALAMIN MALABSORPTION; ENTEROCYTE INTRINSIC FACTOR RECEPTOR, DEFECT OF; PERNICIOUS ANEMIA, JUVENILE, DUE TO SELECTIVE INTESTINAL MALABSORPTION OF VITAMIN B12, WITH PROTEINURIA; Imerslund-Gräsbeck syndrome. Identifiers: Orphanet 35858, MedGen C4551825, MONDO:0009853.

Allele frequency attached by ClinVar (database versions not stated): gnomAD exomes below 0.00001.
gnomAD v4.1: 3 of 1,613,934 alleles (0.00019%); highest among the groups gnomAD compares: Non-Finnish European, 0.00025%; no homozygotes.

Submission:

Labcorp Genetics (formerly Invitae), Labcorp
Classification: Uncertain significance for Imerslund-Grasbeck syndrome. Last evaluated: 2025-09-02. Review status: criteria provided, single submitter. Criteria: Invitae Variant Classification Sherloc (09022015). Collection method: clinical testing. Allele origin: germline.
Comment: This sequence change replaces serine, which is neutral and polar, with leucine, which is neutral and non-polar, at codon 1155 of the CUBN protein (p.Ser1155Leu). This variant is not present in population databases (gnomAD no frequency). This variant has not been reported in the literature in individuals affected with CUBN-related conditions. ClinVar contains an entry for this variant (Variation ID: 2073320). Invitae Evidence Modeling of protein sequence and biophysical properties (such as structural, functional, and spatial information, amino acid conservation, physicochemical variation, residue mobility, and thermodynamic stability) indicates that this missense variant is not expected to disrupt CUBN protein function with a negative predictive value of 80%. Algorithms developed to predict the effect of sequence changes on RNA splicing suggest that this variant may disrupt the consensus splice site. In summary, the available evidence is currently insufficient to determine the role of this variant in disease. Therefore, it has been classified as a Variant of Uncertain Significance.

NM_001081.4(CUBN):c.3464C>T (p.Ser1155Leu)

Gene: CUBN (cubilin; minus strand). Cytogenetic location: 10p13.
Variant type: single nucleotide variant.
Coding change: c.3464C>T on transcript NM_001081.4 (MANE Select); coding-DNA position 3464, C replaced by T.
Protein change: p.Ser1155Leu; replaces serine 1155 with leucine.
Molecular consequence: missense variant.
Genome position (GRCh38, 1-based): chr10:17,045,960, G>A on the plus strand (C>T on the coding strand, the complement: CUBN is on the minus strand). VCF-style: chr10-17045960-G-A. GRCh37 (hg19) VCF-style: chr10-17087959-G-A.
Other names: short protein forms S1155L.
Identifiers: ClinVar variation 2073320 (VCV002073320.4), dbSNP rs2491946440, ClinGen allele CA376149196.
Genomic context (GRCh38, chr10:17,045,960, plus strand): 5'-CTTCTCCAGTAAAAGACAGCTCTTTGCTATTTACCTGTTGATGACCCATCCCAGTAAGCT[G>A]AGAATCCAGACCTTGTGTCTATTTGGTCACTCTTAAATTTTAACCATAGTTTGTTACTAT-3'
Protein context (NP_001072.2, residues 1145-1165): SDQIDTRSGF[Ser1155Leu]AYWDGSSTGC